The following is an entry in ClinVar:

NM_000827.4(GRIA1):c.2305G>A (p.Glu769Lys)

Gene: GRIA1 (glutamate ionotropic receptor AMPA type subunit 1; plus strand). Cytogenetic location: 5q33.2.
Variant type: single nucleotide variant.
Coding change: c.2305G>A on transcript NM_000827.4 (MANE Select); coding-DNA position 2305, G replaced by A.
Protein change: p.Glu769Lys; replaces glutamic acid 769 with lysine.
Molecular consequence: missense variant. On other transcripts: non-coding transcript variant (1), intron variant (5).
Genome position (GRCh38, 1-based): chr5:153,794,655, G>A. VCF-style: chr5-153794655-G-A. GRCh37 (hg19) VCF-style: chr5-153174215-G-A.
Other names: c.2065G>A, p.Glu689Lys (NM_001258019.2); c.2335G>A, p.Glu779Lys (NM_001258021.2); c.2098G>A, p.Glu700Lys (NM_001258023.1); c.2137G>A, p.Glu713Lys (NM_001364165.2); c.2298-821G>A (NM_001364166.2); c.2064-821G>A (NM_001364167.2); c.1986-821G>A (NM_001258020.2); c.2271-821G>A (NM_001114183.2); and 1 more; short protein forms E689K, E700K, E713K, E769K, E779K.
Identifiers: ClinVar variation 3364898 (VCV003364898.2).
Genomic context (GRCh38, chr5:153,794,655, plus strand): 5'-CGAGTGTTATTTATTCGTTTTTAAAGAAATCCAGTAAACCTGGCAGTGTTAAAACTGAAC[G>A]AGCAGGGGCTTTTGGACAAATTGAAAAACAAATGGTGGTACGACAAGGGCGAGTGCGGCA-3'
Protein context (NP_000818.2, residues 759-779): PVNLAVLKLN[Glu769Lys]QGLLDKLKNK

ClinVar aggregate classification (germline): Uncertain significance (1 of 4 stars; one submission).

gnomAD v4.1: 1 of 1,613,470 alleles (0.000062%); highest among the groups gnomAD compares: East Asian, 0.0022%; no homozygotes.

Submission:

GeneDx
Classification: Uncertain significance. Last evaluated: 2025-01-06. Review status: criteria provided, single submitter. Criteria: GeneDx Variant Classification Process June 2021. Collection method: clinical testing. Allele origin: germline.
Comment: Not observed at significant frequency in large population cohorts (gnomAD); In silico analysis supports a deleterious effect on splicing; Reported using an alternate transcript of the gene; Has not been previously published as pathogenic or benign to our knowledge